The following is an entry in ClinVar:

ClinVar aggregate classification (germline): Uncertain significance (1 of 4 stars; one submission).

Allele frequency attached by ClinVar (database versions not stated): gnomAD 0.00002; TOPMed 0.00002.

Submission:

Labcorp Genetics (formerly Invitae), Labcorp
Classification: Uncertain significance. Last evaluated: 2022-06-08. Review status: criteria provided, single submitter. Criteria: Invitae Variant Classification Sherloc (09022015). Collection method: clinical testing. Allele origin: germline.
Comment: This sequence change replaces serine, which is neutral and polar, with tyrosine, which is neutral and polar, at codon 188 of the TSFM protein (p.Ser188Tyr). This variant is present in population databases (no rsID available, gnomAD 0.007%). This variant has not been reported in the literature in individuals affected with TSFM-related conditions. Algorithms developed to predict the effect of missense changes on protein structure and function are either unavailable or do not agree on the potential impact of this missense change (SIFT: "Tolerated"; PolyPhen-2: "Possibly Damaging"; Align-GVGD: "Class C0"). In summary, the available evidence is currently insufficient to determine the role of this variant in disease. Therefore, it has been classified as a Variant of Uncertain Significance.

NM_005726.6(TSFM):c.500C>A (p.Ser167Tyr)

Gene: TSFM (Ts translation elongation factor, mitochondrial; plus strand). Cytogenetic location: 12q14.1.
Variant type: single nucleotide variant.
Coding change: c.500C>A on transcript NM_005726.6 (MANE Select); coding-DNA position 500, C replaced by A.
Protein change: p.Ser167Tyr; replaces serine 167 with tyrosine.
Molecular consequence: missense variant. On other transcripts: intron variant (1).
Genome position (GRCh38, 1-based): chr12:57,793,002, C>A. VCF-style: chr12-57793002-C-A. GRCh37 (hg19) VCF-style: chr12-58186785-C-A.
Other names: c.563C>A, p.Ser188Tyr (NM_001172696.2); c.500C>A, p.Ser167Tyr (NM_001172697.2); c.484-3175C>A (NM_001172695.2); short protein forms S188Y, S167Y.
Identifiers: ClinVar variation 2195432 (VCV002195432.1), dbSNP rs778868529, ClinGen allele CA385528969.